The following is an entry in ClinVar:

ClinVar aggregate classification (germline): Pathogenic/Likely pathogenic. Review status: criteria provided, multiple submitters, no conflicts (2 of 4 stars). 4 submissions from 4 submitters: Pathogenic (3); Likely pathogenic (1). Last evaluated 2026-08-31.

Conditions:
Hereditary diffuse gastric adenocarcinoma (HDGC). Also called: DIFFUSE GASTRIC AND LOBULAR BREAST CANCER SYNDROME. Identifiers: Orphanet 26106, MedGen C1708349, MONDO:0007648, OMIM 137215.
Hereditary cancer-predisposing syndrome. Also called: Hereditary neoplastic syndrome; Hereditary Cancer Syndrome; Neoplastic Syndromes, Hereditary; Tumor predisposition. Identifiers: Orphanet 140162, MedGen C0027672, MeSH D009386, MONDO:0015356.
Patterned macular dystrophy 2. Identifiers: Orphanet 99001, MedGen C1837029, MONDO:0012162, OMIM 608970.

gnomAD v4.1: 1 of 1,614,152 alleles (0.000062%); highest among the groups gnomAD compares: Non-Finnish European, 0.000085%; no homozygotes.

Submissions (4):

Ambry Genetics
Classification: Pathogenic for Hereditary cancer-predisposing syndrome. Last evaluated: 2026-08-31. Review status: criteria provided, single submitter. Criteria: Ambry Variant Classification Scheme 2023. Collection method: clinical testing. Allele origin: germline.
Comment: The p.Q494* pathogenic mutation (also known as c.1480C>T), located in coding exon 10 of the CTNNA1 gene, results from a C to T substitution at nucleotide position 1480. This changes the amino acid from a glutamine to a stop codon within coding exon 10. This variant is considered to be rare based on population cohorts in the Genome Aggregation Database (gnomAD). This alteration is expected to result in loss of function by premature protein truncation or nonsense-mediated mRNA decay. As such, this alteration is interpreted as a disease-causing mutation.

Labcorp Genetics (formerly Invitae), Labcorp
Classification: Pathogenic. Last evaluated: 2024-10-02. Review status: criteria provided, single submitter. Criteria: Invitae Variant Classification Sherloc (09022015). Collection method: clinical testing. Allele origin: germline.
Comment: This sequence change creates a premature translational stop signal (p.Gln494*) in the CTNNA1 gene. It is expected to result in an absent or disrupted protein product. Loss-of-function variants in CTNNA1 are known to be pathogenic (PMID: 32051609, 34425242). This variant is not present in population databases (gnomAD no frequency). This variant has not been reported in the literature in individuals affected with CTNNA1-related conditions. For these reasons, this variant has been classified as Pathogenic.

Baylor Genetics
Classification: Likely pathogenic for Patterned macular dystrophy 2. Last evaluated: 2023-12-20. Review status: criteria provided, single submitter. Criteria: ACMG Guidelines, 2015. Collection method: clinical testing. Allele origin: unknown.

Myriad Genetics, Inc.
Classification: Pathogenic for Hereditary diffuse gastric adenocarcinoma. Last evaluated: 2023-07-05. Review status: criteria provided, single submitter. Criteria: Myriad Autosomal Dominant, Autosomal Recessive and X-Linked Classification Criteria (2023). Collection method: clinical testing. Allele origin: unknown.
Comment: This variant is considered pathogenic. This variant creates a termination codon and is predicted to result in premature protein truncation.

Literature cited by the submitters: PubMed 32051609 (cited by Labcorp Genetics (formerly Invitae), Labcorp); PubMed 34425242 (cited by Labcorp Genetics (formerly Invitae), Labcorp).

NM_001903.5(CTNNA1):c.1480C>T (p.Gln494Ter)

Gene: CTNNA1 (catenin alpha 1; plus strand). Cytogenetic location: 5q31.2.
Variant type: single nucleotide variant.
Coding change: c.1480C>T on transcript NM_001903.5 (MANE Select); coding-DNA position 1480, C replaced by T.
Protein change: p.Gln494Ter; replaces glutamine 494 with a stop codon.
Molecular consequence: nonsense.
Genome position (GRCh38, 1-based): chr5:138,917,832, C>T. VCF-style: chr5-138917832-C-T. GRCh37 (hg19) VCF-style: chr5-138253521-C-T.
Other names: c.370C>T, p.Gln124Ter (NM_001324004.1, NM_001324005.1, NM_001324002.1 and 17 more transcripts); c.31C>T, p.Gln11Ter (NM_001324006.1, NM_001324007.1, NM_001324008.1 and 2 more transcripts); c.277C>T, p.Gln93Ter (NM_001324011.1); c.127C>T, p.Gln43Ter (NM_001324012.1, NM_001324013.1); c.1480C>T (NM_001903.2); c.1480C>T, p.Gln494Ter (NM_001290307.3, NM_001323982.2, NM_001323983.1 and 2 more transcripts); c.1171C>T, p.Gln391Ter (NM_001290309.3); c.1111C>T, p.Gln371Ter (NM_001290310.3); and 1 more; short protein forms Q11*, Q124*, Q371*, Q391*, Q43*, Q463*, Q494*, Q93*.
Identifiers: ClinVar variation 2673292 (VCV002673292.5), dbSNP rs1356240181, ClinGen allele CA361137289.